The following is an entry in ClinVar:

ClinVar aggregate classification (germline): Conflicting classifications of pathogenicity. Review status: criteria provided, conflicting classifications (1 of 4 stars). 4 submissions from 4 submitters: Uncertain significance (2); Likely benign (2). Last evaluated 2026-02-02.

Conditions:
Inborn genetic diseases. Identifiers: MedGen C0950123, MeSH D030342.

Allele frequency attached by ClinVar (database versions not stated): 1000 Genomes Project 30x 0.00016; 1000 Genomes Project 0.00020.
gnomAD v4.1: 56 of 1,143,794 alleles (0.0049%); highest among the groups gnomAD compares: Middle Eastern, 0.073%; no homozygotes.

Submissions (4):

Labcorp Genetics (formerly Invitae), Labcorp
Classification: Uncertain significance. Last evaluated: 2026-02-02. Review status: criteria provided, single submitter. Criteria: Invitae Variant Classification Sherloc (09022015). Collection method: clinical testing. Allele origin: germline.
Comment: This sequence change replaces arginine, which is basic and polar, with leucine, which is neutral and non-polar, at codon 1225 of the GRIN2D protein (p.Arg1225Leu). This variant is present in population databases (rs558749972, gnomAD 0.007%). This variant has not been reported in the literature in individuals affected with GRIN2D-related conditions. ClinVar contains an entry for this variant (Variation ID: 1390424). Invitae Evidence Modeling of protein sequence and biophysical properties (such as structural, functional, and spatial information, amino acid conservation, physicochemical variation, residue mobility, and thermodynamic stability) indicates that this missense variant is not expected to disrupt GRIN2D protein function with a negative predictive value of 95%. In summary, the available evidence is currently insufficient to determine the role of this variant in disease. Therefore, it has been classified as a Variant of Uncertain Significance.

Ambry Genetics
Classification: Uncertain significance for Inborn genetic diseases. Last evaluated: 2025-06-19. Review status: criteria provided, single submitter. Criteria: Ambry Variant Classification Scheme 2023. Collection method: clinical testing. Allele origin: germline.

Laboratory of Genetics, Children's Clinical University Hospital Latvia
Classification: Likely benign. Last evaluated: 2025-02-16. Review status: criteria provided, single submitter. Criteria: ACMG Guidelines, 2015. Collection method: clinical testing. Allele origin: germline. Affected: yes.

CeGaT Center for Human Genetics Tuebingen
Classification: Likely benign. Last evaluated: 2024-12-01. Review status: criteria provided, single submitter. Criteria: CeGaT Center For Human Genetics Tuebingen Variant Classification Criteria Version 2. Collection method: clinical testing. Allele origin: germline. Affected: yes. Observed: 1 variant allele.
Comment: GRIN2D: PP2, BS2

NM_000836.4(GRIN2D):c.3674G>T (p.Arg1225Leu)

Gene: GRIN2D (glutamate ionotropic receptor NMDA type subunit 2D; plus strand). Cytogenetic location: 19q13.33.
Variant type: single nucleotide variant.
Coding change: c.3674G>T on transcript NM_000836.4 (MANE Select); coding-DNA position 3674, G replaced by T.
Protein change: p.Arg1225Leu; replaces arginine 1225 with leucine.
Molecular consequence: missense variant.
Genome position (GRCh38, 1-based): chr19:48,443,600, G>T. VCF-style: chr19-48443600-G-T. GRCh37 (hg19) VCF-style: chr19-48946857-G-T.
Other names: c.3674G>T (NM_000836.2); short protein forms R1225L.
Identifiers: ClinVar variation 1390424 (VCV001390424.30), dbSNP rs558749972, ClinGen allele CA309299468.